The following is an entry in ClinVar:

NM_001367561.1(DOCK7):c.3865G>A (p.Val1289Ile)

Gene: DOCK7 (dedicator of cytokinesis 7; minus strand). Cytogenetic location: 1p31.3.
Variant type: single nucleotide variant.
Coding change: c.3865G>A on transcript NM_001367561.1 (MANE Select); coding-DNA position 3865, G replaced by A.
Protein change: p.Val1289Ile; replaces valine 1289 with isoleucine.
Molecular consequence: missense variant.
Genome position (GRCh38, 1-based): chr1:62,528,222, C>T on the plus strand (G>A on the coding strand, the complement: DOCK7 is on the minus strand). VCF-style: chr1-62528222-C-T. GRCh37 (hg19) VCF-style: chr1-62993893-C-T.
Other names: c.3865G>A, p.Val1289Ile (NM_001271999.2, NM_001330614.2); c.3772G>A, p.Val1258Ile (NM_001272000.2, NM_001272001.2, NM_033407.4); short protein forms V1258I, V1289I.
Identifiers: ClinVar variation 941755 (VCV000941755.8), dbSNP rs778781740, ClinGen allele CA885860.

ClinVar aggregate classification (germline): Uncertain significance (1 of 4 stars; one submission).

Conditions:
Developmental and epileptic encephalopathy, 23 (DEE23). Also called: Epileptic encephalopathy, early infantile, 23. Identifiers: Orphanet 411986, MedGen C4014492, MONDO:0014371, OMIM 615859.

Allele frequency attached by ClinVar (database versions not stated): gnomAD exomes 0.00001 and 0.00002; TOPMed 0.00001; ExAC 0.00002.
gnomAD v4.1: 21 of 1,613,720 alleles (0.0013%); highest among the groups gnomAD compares: East Asian, 0.02%; no homozygotes.

Submission:

Labcorp Genetics (formerly Invitae), Labcorp
Classification: Uncertain significance for Developmental and epileptic encephalopathy, 23. Last evaluated: 2023-11-14. Review status: criteria provided, single submitter. Criteria: Invitae Variant Classification Sherloc (09022015). Collection method: clinical testing. Allele origin: germline.
Comment: This sequence change replaces valine, which is neutral and non-polar, with isoleucine, which is neutral and non-polar, at codon 1289 of the DOCK7 protein (p.Val1289Ile). This variant is present in population databases (rs778781740, gnomAD 0.007%). This variant has not been reported in the literature in individuals affected with DOCK7-related conditions. ClinVar contains an entry for this variant (Variation ID: 941755). Advanced modeling of protein sequence and biophysical properties (such as structural, functional, and spatial information, amino acid conservation, physicochemical variation, residue mobility, and thermodynamic stability) performed at Invitae indicates that this missense variant is not expected to disrupt DOCK7 protein function with a negative predictive value of 80%. In summary, the available evidence is currently insufficient to determine the role of this variant in disease. Therefore, it has been classified as a Variant of Uncertain Significance.